The following is an entry in ClinVar:

NM_001007527.2(LMBRD2):c.1448G>T (p.Arg483Leu)

Gene: LMBRD2 (LMBR1 domain containing 2; minus strand). Cytogenetic location: 5p13.2.
Variant type: single nucleotide variant.
Coding change: c.1448G>T on transcript NM_001007527.2 (MANE Select); coding-DNA position 1448, G replaced by T.
Protein change: p.Arg483Leu; replaces arginine 483 with leucine.
Molecular consequence: missense variant.
Genome position (GRCh38, 1-based): chr5:36,115,109, C>A on the plus strand (G>T on the coding strand, the complement: LMBRD2 is on the minus strand). VCF-style: chr5-36115109-C-A. GRCh37 (hg19) VCF-style: chr5-36115211-C-A.
Other names: short protein forms R483L.
Identifiers: ClinVar variation 5043347 (VCV005043347.1).

ClinVar aggregate classification (germline): Likely pathogenic (1 of 4 stars; one submission).

Conditions:
Developmental delay with variable neurologic and brain abnormalities (MLHNS). Also called: MALHOTRA NEURODEVELOPMENTAL SYNDROME. Identifiers: MedGen C5562060, MONDO:0859218, OMIM 619694.

Submission:

Genetics Department, University Hospital of Toulouse
Classification: Likely pathogenic for Developmental delay with variable neurologic and brain abnormalities. Last evaluated: 2026-10-22. Review status: criteria provided, single submitter. Criteria: ACMG Guidelines, 2015. Collection method: clinical testing. Allele origin: unknown. Inheritance: Autosomal dominant inheritance. Affected: yes.
Comment: Additionally, a different amino acid substitution at the same codon, p.(Arg483His), has been reported in individual with DENBA (PMID: 32820033). This variant is not observed in version 4.1.2 of the Genome Aggregation Database. Multiple lines of computational evidence suggest the variant may impact the gene or gene product. Based on the available evidence, the c.1448G>T p.(Arg483Leu) variant has been classified as likely pathogenic for developmental delay with variable neurologic and brain abnormalities.

Literature cited by the submitters: PubMed 32820033.